The following is an entry in ClinVar:

NM_005045.4(RELN):c.5953T>G (p.Ser1985Ala)

Gene: RELN (reelin; minus strand). Cytogenetic location: 7q22.1.
Variant type: single nucleotide variant.
Coding change: c.5953T>G on transcript NM_005045.4 (MANE Select); coding-DNA position 5953, T replaced by G.
Protein change: p.Ser1985Ala; replaces serine 1985 with alanine.
Molecular consequence: missense variant.
Genome position (GRCh38, 1-based): chr7:103,553,676, A>C on the plus strand (T>G on the coding strand, the complement: RELN is on the minus strand). VCF-style: chr7-103553676-A-C. GRCh37 (hg19) VCF-style: chr7-103194123-A-C.
Other names: c.5953T>G, p.Ser1985Ala (NM_173054.3); short protein forms S1985A.
Identifiers: ClinVar variation 1420258 (VCV001420258.20), dbSNP rs2117159627, ClinGen allele CA368739614.

ClinVar aggregate classification (germline): Uncertain significance. Review status: criteria provided, multiple submitters, no conflicts (2 of 4 stars). 2 submissions from 2 submitters: Uncertain significance (2). Last evaluated 2024-11-01.

Conditions:
Familial temporal lobe epilepsy 7. Identifiers: Orphanet 101046, MedGen C4225327, MONDO:0014639, OMIM 616436.
Norman-Roberts syndrome (LIS2). Also called: Lissencephaly 2 (Norman-Roberts type). Identifiers: Orphanet 89844, MedGen C0796089, MONDO:0009760, OMIM 257320.

Allele frequency attached by ClinVar (database versions not stated): gnomAD exomes below 0.00001.
gnomAD v4.1: 4 of 1,614,140 alleles (0.00025%); highest among the groups gnomAD compares: Non-Finnish European, 0.00034%; no homozygotes.

Submissions (2):

CeGaT Center for Human Genetics Tuebingen
Classification: Uncertain significance. Last evaluated: 2024-11-01. Review status: criteria provided, single submitter. Criteria: CeGaT Center For Human Genetics Tuebingen Variant Classification Criteria Version 2. Collection method: clinical testing. Allele origin: germline. Affected: yes. Observed: 1 variant allele.
Comment: RELN: PM2

Labcorp Genetics (formerly Invitae), Labcorp
Classification: Uncertain significance for Familial temporal lobe epilepsy 7; Norman-Roberts syndrome. Last evaluated: 2022-08-23. Review status: criteria provided, single submitter. Criteria: Invitae Variant Classification Sherloc (09022015). Collection method: clinical testing. Allele origin: germline.
Comment: This sequence change replaces serine, which is neutral and polar, with alanine, which is neutral and non-polar, at codon 1985 of the RELN protein (p.Ser1985Ala). In summary, the available evidence is currently insufficient to determine the role of this variant in disease. Therefore, it has been classified as a Variant of Uncertain Significance. Algorithms developed to predict the effect of missense changes on protein structure and function (SIFT, PolyPhen-2, Align-GVGD) all suggest that this variant is likely to be tolerated. ClinVar contains an entry for this variant (Variation ID: 1420258). This variant has not been reported in the literature in individuals affected with RELN-related conditions. This variant is not present in population databases (gnomAD no frequency).